The following is an entry in ClinVar:

ClinVar aggregate classification (germline): Uncertain significance (1 of 4 stars; one submission).

Conditions:
Charcot-Marie-Tooth Neuropathy X. Identifiers: MedGen CN118851.

Submission:

Labcorp Genetics (formerly Invitae), Labcorp
Classification: Uncertain significance for Charcot-Marie-Tooth Neuropathy X. Last evaluated: 2023-02-21. Review status: criteria provided, single submitter. Criteria: Invitae Variant Classification Sherloc (09022015). Collection method: clinical testing. Allele origin: germline.
Comment: This sequence change replaces cysteine, which is neutral and slightly polar, with phenylalanine, which is neutral and non-polar, at codon 53 of the GJB1 protein (p.Cys53Phe). In summary, the available evidence is currently insufficient to determine the role of this variant in disease. Therefore, it has been classified as a Variant of Uncertain Significance. Advanced modeling of protein sequence and biophysical properties (such as structural, functional, and spatial information, amino acid conservation, physicochemical variation, residue mobility, and thermodynamic stability) performed at Invitae indicates that this missense variant is expected to disrupt GJB1 protein function. This variant has not been reported in the literature in individuals affected with GJB1-related conditions. This variant is not present in population databases (gnomAD no frequency).

NM_000166.6(GJB1):c.158G>T (p.Cys53Phe)

Gene: GJB1 (gap junction protein beta 1; plus strand). Cytogenetic location: Xq13.1.
Variant type: single nucleotide variant.
Coding change: c.158G>T on transcript NM_000166.6 (MANE Select); coding-DNA position 158, G replaced by T.
Protein change: p.Cys53Phe; replaces cysteine 53 with phenylalanine.
Molecular consequence: missense variant.
Genome position (GRCh38, 1-based): chrX:71,223,865, G>T. VCF-style: chrX-71223865-G-T. GRCh37 (hg19) VCF-style: chrX-70443715-G-T.
Other names: c.158G>T, p.Cys53Phe (NM_001097642.3); short protein forms C53F.
Identifiers: ClinVar variation 2808940 (VCV002808940.3), dbSNP rs1602348864, ClinGen allele CA413501196.